The following is an entry in ClinVar:

ClinVar aggregate classification (germline): Benign (1 of 4 stars; one submission).

gnomAD v4.1: 7,007 of 1,198,590 alleles (0.58%); highest among the groups gnomAD compares: African/African-American, 3.8%; 117 homozygotes.

Submission:

CeGaT Center for Human Genetics Tuebingen
Classification: Benign. Last evaluated: 2026-07-01. Review status: criteria provided, single submitter. Criteria: CeGaT Center For Human Genetics Tuebingen Variant Classification Criteria Version 2. Collection method: clinical testing. Allele origin: germline. Affected: yes. Observed: 1 variant allele.
Comment: PDE11A: BS1, BS2

NM_016953.4(PDE11A):c.1738-34G>T

Gene: PDE11A (phosphodiesterase 11A; minus strand). Cytogenetic location: 2q31.2.
Variant type: single nucleotide variant.
Coding change: c.1738-34G>T on transcript NM_016953.4 (MANE Select); 34 bases into the intron before coding-DNA position 1738, G replaced by T.
Molecular consequence: intron variant.
Genome position (GRCh38, 1-based): chr2:177,769,407, C>A on the plus strand (G>T on the coding strand, the complement: PDE11A is on the minus strand). VCF-style: chr2-177769407-C-A. GRCh37 (hg19) VCF-style: chr2-178634135-C-A.
Other names: c.664-34G>T (NM_001077358.2); c.406-34G>T (NM_001077196.2); c.988-34G>T (NM_001077197.2).
Identifiers: ClinVar variation 4872064 (VCV004872064.2).
Genomic context (GRCh38, chr2:177,769,407, plus strand): 5'-TGAACATGTTGCATGGTATGATAGCACCTGATTCAGAAGAAAAAAAAATAATTTTAATAA[C>A]TAGACATGACTGTATTTTCTGAAATTCTCCTGGCTTAAAAATAAGCTTTGCTTATGTATA-3'